The following is an entry in ClinVar:

ClinVar aggregate classification (germline): Benign. Review status: criteria provided, multiple submitters, no conflicts (2 of 4 stars). 7 submissions from 6 submitters: Benign (7). Last evaluated 2025-06-12.

Conditions:
Galloway-Mowat syndrome 7. Identifiers: MedGen C5193044, MONDO:0032692, OMIM 618348.
Nephrotic syndrome, type 11 (NPHS11). Identifiers: Orphanet 656, MedGen C4225228, MONDO:0014752, OMIM 616730.

Allele frequency attached by ClinVar (database versions not stated): ESP Exome Variant Server 0.11564; gnomAD 0.21375 and 0.21675; TOPMed 0.21482; 1000 Genomes Project 30x 0.21674; 1000 Genomes Project 0.22025; ExAC 0.25744; gnomAD exomes 0.25752.
gnomAD v4.1: 358,073 of 1,357,388 alleles (26%); highest among the groups gnomAD compares: Middle Eastern, 30%; 48,786 homozygotes.

Submissions (7):

Labcorp Genetics (formerly Invitae), Labcorp
Classification: Benign. Last evaluated: 2025-06-12. Review status: criteria provided, single submitter. Criteria: Invitae Variant Classification Sherloc (09022015). Collection method: clinical testing. Allele origin: germline.

Blueprint Genetics
Classification: Benign. Last evaluated: 2024-11-27. Review status: criteria provided, single submitter. Criteria: ACMG Guidelines, 2015. Collection method: clinical testing. Allele origin: germline.

Unidad de Genómica Garrahan, Hospital de Pediatría Garrahan
Classification: Benign. Last evaluated: 2024-07-15. Review status: criteria provided, single submitter. Criteria: ACMG Guidelines, 2015. Collection method: clinical testing. Allele origin: germline. Affected: no. Observed: 34 variant alleles.
Comment: This variant is classified as Benign based on local population frequency. This variant was detected in 37% of patients studied in a panel designed for Epileptic and Developmental Encephalopathy and Progressive Myoclonus Epilepsy. Number of patients: 34. Only high quality variants are reported.

Genome-Nilou Lab
Classification: Benign for Galloway-Mowat syndrome 7. Last evaluated: 2021-09-05. Review status: criteria provided, single submitter. Criteria: ACMG Guidelines, 2015. Collection method: clinical testing. Allele origin: germline. Affected: no.

Genome-Nilou Lab
Classification: Benign for Nephrotic syndrome, type 11. Last evaluated: 2021-09-05. Review status: criteria provided, single submitter. Criteria: ACMG Guidelines, 2015. Collection method: clinical testing. Allele origin: germline. Affected: no.

GeneDx
Classification: Benign. Last evaluated: 2019-10-25. Review status: criteria provided, single submitter. Criteria: GeneDx Variant Classification Process June 2021. Collection method: clinical testing. Allele origin: germline. Affected: yes.

Breakthrough Genomics
Classification: Benign. Review status: criteria provided, single submitter. Criteria: ACMG Guidelines, 2015. Collection method: not provided. Allele origin: germline. Inheritance: Autosomal recessive inheritance. Affected: yes.

NM_020401.4(NUP107):c.1998+15G>T

Gene: NUP107 (nucleoporin 107; plus strand). Cytogenetic location: 12q15.
Variant type: single nucleotide variant.
Coding change: c.1998+15G>T on transcript NM_020401.4 (MANE Select); 15 bases into the intron after coding-DNA position 1998, G replaced by T.
Molecular consequence: intron variant.
Genome position (GRCh38, 1-based): chr12:68,731,734, G>T. VCF-style: chr12-68731734-G-T. GRCh37 (hg19) VCF-style: chr12-69125514-G-T.
Other names: c.1911+15G>T (NM_001330192.2).
Identifiers: ClinVar variation 1261514 (VCV001261514.11), dbSNP rs7976876, ClinGen allele CA6677990.